The following is an entry in ClinVar:

NM_001377.3(DYNC2H1):c.5852A>G (p.Asn1951Ser)

Gene: DYNC2H1 (dynein cytoplasmic 2 heavy chain 1; plus strand). Cytogenetic location: 11q22.3.
Variant type: single nucleotide variant.
Coding change: c.5852A>G on transcript NM_001377.3 (MANE Select); coding-DNA position 5852, A replaced by G.
Protein change: p.Asn1951Ser; replaces asparagine 1951 with serine.
Molecular consequence: missense variant.
Genome position (GRCh38, 1-based): chr11:103,176,412, A>G. VCF-style: chr11-103176412-A-G. GRCh37 (hg19) VCF-style: chr11-103047141-A-G.
Other names: c.5852A>G, p.Asn1951Ser (NM_001080463.2); short protein forms N1951S.
Identifiers: ClinVar variation 1417511 (VCV001417511.5), dbSNP rs753418235, ClinGen allele CA6253841.

ClinVar aggregate classification (germline): Uncertain significance (1 of 4 stars; one submission).

Conditions:
Jeune thoracic dystrophy. Also called: Short-rib thoracic dysplasia; Jeune syndrome; Infantile thoracic dystrophy; Thoracic pelvic phalangeal dystrophy; Jeune's syndrome; Chondroectodermal dysplasia-like syndrome. Identifiers: Orphanet 474, MedGen C0265275, MONDO:0018770.

Allele frequency attached by ClinVar (database versions not stated): gnomAD exomes below 0.00001; TOPMed below 0.00001; ExAC 0.00002; gnomAD 0.00002.
gnomAD v4.1: 10 of 1,545,834 alleles (0.00065%); highest among the groups gnomAD compares: Middle Eastern, 0.017%; no homozygotes.

Submission:

Labcorp Genetics (formerly Invitae), Labcorp
Classification: Uncertain significance for Jeune thoracic dystrophy. Last evaluated: 2021-09-24. Review status: criteria provided, single submitter. Criteria: Invitae Variant Classification Sherloc (09022015). Collection method: clinical testing. Allele origin: germline.
Comment: This sequence change replaces asparagine with serine at codon 1951 of the DYNC2H1 protein (p.Asn1951Ser). The asparagine residue is highly conserved and there is a small physicochemical difference between asparagine and serine. This variant is present in population databases (rs753418235, ExAC 0.03%). This variant has not been reported in the literature in individuals affected with DYNC2H1-related conditions. Advanced modeling of protein sequence and biophysical properties (such as structural, functional, and spatial information, amino acid conservation, physicochemical variation, residue mobility, and thermodynamic stability) performed at Invitae indicates that this missense variant is not expected to disrupt DYNC2H1 protein function. In summary, the available evidence is currently insufficient to determine the role of this variant in disease. Therefore, it has been classified as a Variant of Uncertain Significance.